The following is an entry in ClinVar:

ClinVar aggregate classification (germline): Pathogenic/Likely pathogenic. Review status: criteria provided, multiple submitters, no conflicts (2 of 4 stars). 2 submissions from 2 submitters: Pathogenic (1); Likely pathogenic (1). Last evaluated 2026-03-03.

Conditions:
Developmental delay, impaired speech, and behavioral abnormalities, with or without seizures (DEDISB). Identifiers: MedGen C5575272, MONDO:0859263, OMIM 619964.

Submissions (2):

GeneDx
Classification: Likely pathogenic. Last evaluated: 2026-03-03. Review status: criteria provided, single submitter. Criteria: GeneDx Variant Classification Process June 2021. Collection method: clinical testing. Allele origin: germline.
Comment: Nonsense variant predicted to result in protein truncation or nonsense mediated decay in a gene for which loss of function is a known mechanism of disease; Not observed at significant frequency in large population cohorts (gnomAD); Has not been previously published as pathogenic or benign to our knowledge

Victorian Clinical Genetics Services, Murdoch Childrens Research Institute
Classification: Pathogenic for Developmental delay, impaired speech, and behavioral abnormalities, with or without seizures. Last evaluated: 2023-07-17. Review status: criteria provided, single submitter. Criteria: ACMG Guidelines, 2015. Collection method: clinical testing. Allele origin: germline. Inheritance: Autosomal dominant inheritance. Affected: yes.
Comment: Based on the classification scheme VCGS_Germline_v1.3.4, this variant is classified as Pathogenic. Following criteria are met: 0102 - Loss of function is a known mechanism of disease in this gene and is associated with developmental delay, impaired speech, and behavioural abnormalities, with or without seizures (MIM#619964). (I) 0107 - This gene is associated with autosomal dominant disease. (I) 0115 - Variants in this gene are known to have variable expressivity (PMID: 34113008). (I) 0201 - Variant is predicted to cause nonsense-mediated decay (NMD) and loss of protein (premature termination codon is located at least 54 nucleotides upstream of the final exon-exon junction). (SP) 0251 - This variant is heterozygous. (I) 0301 - Variant is absent from gnomAD (both v2 and v3). (SP) 0701 - Other NMD predicted variants comparable to the one identified in this case have very strong previous evidence for pathogenicity (DECIPHER). (SP) 0807 - This variant has no previous evidence of pathogenicity. (I) 0905 - No published segregation evidence has been identified for this variant. (I) 1007 - No published functional evidence has been identified for this variant. (I) 1208 - Inheritance information for this variant is not currently available in this individual. (I) Legend: (SP) - Supporting pathogenic, (I) - Information, (SB) - Supporting benign

Literature cited by the submitters: PubMed 34113008 (cited by Victorian Clinical Genetics Services, Murdoch Childrens Research Institute).

NM_006421.5(ARFGEF1):c.3799C>T (p.Gln1267Ter)

Gene: ARFGEF1 (ARF guanine nucleotide exchange factor 1; minus strand). Cytogenetic location: 8q13.2.
Variant type: single nucleotide variant.
Coding change: c.3799C>T on transcript NM_006421.5 (MANE Select); coding-DNA position 3799, C replaced by T.
Protein change: p.Gln1267Ter; replaces glutamine 1267 with a stop codon.
Molecular consequence: nonsense. On other transcripts: non-coding transcript variant (1).
Genome position (GRCh38, 1-based): chr8:67,227,254, G>A on the plus strand (C>T on the coding strand, the complement: ARFGEF1 is on the minus strand). VCF-style: chr8-67227254-G-A. GRCh37 (hg19) VCF-style: chr8-68139489-G-A.
Other names: c.3799C>T, p.Gln1267Ter (NM_001413192.1, NM_001413194.1, NM_001413195.1 and 6 more transcripts); c.3199C>T, p.Gln1067Ter (NM_001413193.1, NM_001413197.1, NM_001413188.1); c.2374C>T, p.Gln792Ter (NM_001413196.1); c.3793C>T, p.Gln1265Ter (NM_001413190.1); short protein forms Q1067*, Q1265*, Q1267*, Q792*.
Identifiers: ClinVar variation 3255194 (VCV003255194.2), dbSNP rs2491362882.